The following is an entry in ClinVar:

ClinVar aggregate classification (germline): Likely benign (1 of 4 stars; one submission).

Submission:

CeGaT Center for Human Genetics Tuebingen
Classification: Likely benign. Last evaluated: 2025-08-01. Review status: criteria provided, single submitter. Criteria: CeGaT Center For Human Genetics Tuebingen Variant Classification Criteria Version 2. Collection method: clinical testing. Allele origin: germline. Affected: yes. Observed: 1 variant allele.
Comment: FLG: BP4, BP7

NM_002016.2(FLG):c.9102C>T (p.His3034=)

Genes: CCDST (cervical cancer associated DHX9 suppressive transcript; plus strand), FLG (filaggrin; minus strand). Cytogenetic location: 1q21.3.
Variant type: single nucleotide variant.
Coding change: c.9102C>T on transcript NM_002016.2 (MANE Select); coding-DNA position 9102, C replaced by T.
Protein change: p.His3034=; no amino-acid change (histidine 3034 retained).
Molecular consequence: synonymous variant.
Genome position (GRCh38, 1-based): chr1:152,305,784, G>A on the plus strand (C>T on the coding strand, the complement: FLG is on the minus strand). VCF-style: chr1-152305784-G-A. GRCh37 (hg19) VCF-style: chr1-152278260-G-A.
Identifiers: ClinVar variation 4084904 (VCV004084904.8).